The following is an entry in ClinVar:

ClinVar aggregate classification (germline): Uncertain significance (1 of 4 stars; one submission).

Conditions:
TBR1-related neurodevelopmental disorder.

Submission:

Clinical Genomics Laboratory, Stanford Medicine
Classification: Uncertain significance for TBR1-related neurodevelopmental disorder. Last evaluated: 2022-07-11. Review status: criteria provided, single submitter. Criteria: ACMG Guidelines, 2015. Collection method: clinical testing. Allele origin: de novo. Affected: yes. Observed: 1 variant allele, 1 heterozygote.
Comment: This variant was absent from large population databases, including the Genome Aggregation Database. This variant results in an in-frame deletion of 5 evolutionarily conserved amino acids. While the reading frame is preserved, this variant is expected to alter the length of the TBR1 protein. These data were assessed using the ACMG/AMP variant interpretation guidelines. In summary, the significance of the p.Arg144_His148del variant is uncertain. Additional information is needed to resolve the significance of this variant. [ACMG evidence codes used: PS2_Supporting; PM2; PM4]

NM_006593.4(TBR1):c.431_445del (p.Arg144_His148del)

Gene: TBR1 (T-box brain transcription factor 1; plus strand). Cytogenetic location: 2q24.2.
Variant type: Deletion.
Coding change: c.431_445del on transcript NM_006593.4 (MANE Select); coding-DNA positions 431 to 445, 15 bases deleted (GCTACATGGCCCACC).
Protein change: p.Arg144_His148del.
Genome position (GRCh38, 1-based): chr2:161,416,841-161,416,855, GCTACATGGCCCACC deleted; deleting any 15 consecutive bases within chr2:161,416,839-161,416,855 gives the same sequence; the c. name uses the placement nearest the transcript's 3' end. VCF-style (leftmost placement, unchanged base first): chr2-161416838-GCCGCTACATGGCCCA-G. GRCh37 (hg19) VCF-style: chr2-162273349-GCCGCTACATGGCCCA-G.
Identifiers: ClinVar variation 3572855 (VCV003572855.1).